The following is an entry in ClinVar:

NM_006922.4(SCN3A):c.3373G>T (p.Glu1125Ter)

Gene: SCN3A (sodium voltage-gated channel alpha subunit 3; minus strand). Cytogenetic location: 2q24.3.
Variant type: single nucleotide variant.
Coding change: c.3373G>T on transcript NM_006922.4 (MANE Select); coding-DNA position 3373, G replaced by T.
Protein change: p.Glu1125Ter; replaces glutamic acid 1125 with a stop codon.
Molecular consequence: nonsense.
Genome position (GRCh38, 1-based): chr2:165,127,651, C>A on the plus strand (G>T on the coding strand, the complement: SCN3A is on the minus strand). VCF-style: chr2-165127651-C-A. GRCh37 (hg19) VCF-style: chr2-165984161-C-A.
Other names: c.3226G>T, p.Glu1076Ter (NM_001081676.2, NM_001081677.2); short protein forms E1076*, E1125*.
Identifiers: ClinVar variation 2761010 (VCV002761010.3), dbSNP rs1553521922, ClinGen allele CA349039820.
Genomic context (GRCh38, chr2:165,127,651, plus strand): 5'-ATCATAGGAAATGGAACAAAAAATTTAAAAGCATTCTTACCTCTTTGCTTTCTTCTAGTT[C>A]TGACTCACTGCTGAACTCTTCAGTATTTAAGTTTTCAAAGTCAGACTCTCCAACAGCAAT-3'

ClinVar aggregate classification (germline): Uncertain significance (1 of 4 stars; one submission).

Submission:

Labcorp Genetics (formerly Invitae), Labcorp
Classification: Uncertain significance. Last evaluated: 2026-01-19. Review status: criteria provided, single submitter. Criteria: Invitae Variant Classification Sherloc (09022015). Collection method: clinical testing. Allele origin: germline.
Comment: This sequence change creates a premature translational stop signal (p.Glu1125*) in the SCN3A gene. It is expected to result in an absent or disrupted protein product. However, the current clinical and genetic evidence is not sufficient to establish whether loss-of-function variants in SCN3A cause disease. This variant is not present in population databases (gnomAD no frequency). This variant has not been reported in the literature in individuals affected with SCN3A-related conditions. ClinVar contains an entry for this variant (Variation ID: 2761010). In summary, the available evidence is currently insufficient to determine the role of this variant in disease. Therefore, it has been classified as a Variant of Uncertain Significance.